The following is an entry in ClinVar:

NM_001375834.1(WIPF1):c.613C>A (p.Pro205Thr)

Gene: WIPF1 (WAS/WASL interacting protein family member 1; minus strand). Cytogenetic location: 2q31.1.
Variant type: single nucleotide variant.
Coding change: c.613C>A on transcript NM_001375834.1 (MANE Select); coding-DNA position 613, C replaced by A.
Protein change: p.Pro205Thr; replaces proline 205 with threonine.
Molecular consequence: missense variant.
Genome position (GRCh38, 1-based): chr2:174,572,192, G>T on the plus strand (C>A on the coding strand, the complement: WIPF1 is on the minus strand). VCF-style: chr2-174572192-G-T. GRCh37 (hg19) VCF-style: chr2-175436920-G-T.
Other names: c.613C>A, p.Pro205Thr (NM_001077269.1, NM_001375832.1, NM_001375833.1 and 5 more transcripts); c.235C>A, p.Pro79Thr (NM_001375839.1); short protein forms P205T, P79T.
Identifiers: ClinVar variation 1061748 (VCV001061748.5), dbSNP rs150415094, ClinGen allele CA60843692.
Genomic context (GRCh38, chr2:174,572,192, plus strand): 5'-TTCCAGGGAAAGGGGGAGGAGTGGGCCCGGGGCTGGGCTGCCTGGGGCCTCCGGGCACTG[G>T]TGGGGACCCCCGGTTGTGCGGACTTGATTGAATGGGTCTTGGAGTACTAGGTACTGGAGG-3'
Protein context (NP_001362763.1, residues 195-215): QSSPHNRGSP[Pro205Thr]VPGGPRQPSP

ClinVar aggregate classification (germline): Uncertain significance (1 of 4 stars; one submission).

Conditions:
Wiskott-Aldrich syndrome 2 (WAS2). Also called: WIPF1 DEFICIENCY. Identifiers: Orphanet 906, MedGen C3281001, MONDO:0013779, OMIM 614493.

Allele frequency attached by ClinVar (database versions not stated): gnomAD exomes 0.00001; ESP Exome Variant Server 0.00008.
gnomAD v4.1: 10 of 1,614,048 alleles (0.00062%); highest among the groups gnomAD compares: Non-Finnish European, 0.00085%; no homozygotes.

Submission:

Labcorp Genetics (formerly Invitae), Labcorp
Classification: Uncertain significance for Wiskott-Aldrich syndrome 2. Last evaluated: 2020-10-07. Review status: criteria provided, single submitter. Criteria: Invitae Variant Classification Sherloc (09022015). Collection method: clinical testing. Allele origin: germline.
Comment: In summary, the available evidence is currently insufficient to determine the role of this variant in disease. Therefore, it has been classified as a Variant of Uncertain Significance. Algorithms developed to predict the effect of missense changes on protein structure and function output the following: SIFT: "Not Available"; PolyPhen-2: "Benign"; Align-GVGD: "Not Available". The threonine amino acid residue is found in multiple mammalian species, suggesting that this missense change does not adversely affect protein function. These predictions have not been confirmed by published functional studies and their clinical significance is uncertain. This variant has not been reported in the literature in individuals with WIPF1-related conditions. This variant is not present in population databases (ExAC no frequency). This sequence change replaces proline with threonine at codon 205 of the WIPF1 protein (p.Pro205Thr). The proline residue is highly conserved and there is a small physicochemical difference between proline and threonine.